The following is an entry in ClinVar:

ClinVar aggregate classification (germline): Uncertain significance (1 of 4 stars; one submission).

Conditions:
Spastic paraplegia. Identifiers: MedGen C0037772, HP:0001258.

Submission:

Labcorp Genetics (formerly Invitae), Labcorp
Classification: Uncertain significance for Spastic paraplegia. Last evaluated: 2022-04-18. Review status: criteria provided, single submitter. Criteria: Invitae Variant Classification Sherloc (09022015). Collection method: clinical testing. Allele origin: germline.
Comment: This sequence change replaces aspartic acid, which is acidic and polar, with glycine, which is neutral and non-polar, at codon 1458 of the ZFYVE26 protein (p.Asp1458Gly). This variant is not present in population databases (gnomAD no frequency). In summary, the available evidence is currently insufficient to determine the role of this variant in disease. Therefore, it has been classified as a Variant of Uncertain Significance. Algorithms developed to predict the effect of missense changes on protein structure and function are either unavailable or do not agree on the potential impact of this missense change (SIFT: "Deleterious"; PolyPhen-2: "Benign"; Align-GVGD: "Class C0"). This variant has not been reported in the literature in individuals affected with ZFYVE26-related conditions.

NM_015346.4(ZFYVE26):c.4373A>G (p.Asp1458Gly)

Gene: ZFYVE26 (zinc finger FYVE-type containing 26; minus strand). Cytogenetic location: 14q24.1.
Variant type: single nucleotide variant.
Coding change: c.4373A>G on transcript NM_015346.4 (MANE Select); coding-DNA position 4373, A replaced by G.
Protein change: p.Asp1458Gly; replaces aspartic acid 1458 with glycine.
Molecular consequence: missense variant.
Genome position (GRCh38, 1-based): chr14:67,781,529, T>C on the plus strand (A>G on the coding strand, the complement: ZFYVE26 is on the minus strand). VCF-style: chr14-67781529-T-C. GRCh37 (hg19) VCF-style: chr14-68248246-T-C.
Other names: short protein forms D1458G.
Identifiers: ClinVar variation 2127695 (VCV002127695.4), dbSNP rs2502801419, ClinGen allele CA390169945.